The following is an entry in ClinVar:

NM_013254.4(TBK1):c.1779T>A (p.His593Gln)

Gene: TBK1 (TANK binding kinase 1; plus strand). Cytogenetic location: 12q14.2.
Variant type: single nucleotide variant.
Coding change: c.1779T>A on transcript NM_013254.4 (MANE Select); coding-DNA position 1779, T replaced by A.
Protein change: p.His593Gln; replaces histidine 593 with glutamine.
Molecular consequence: missense variant.
Genome position (GRCh38, 1-based): chr12:64,496,967, T>A. VCF-style: chr12-64496967-T-A. GRCh37 (hg19) VCF-style: chr12-64890747-T-A.
Other names: c.1779T>A (NM_013254.3); short protein forms H593Q.
Identifiers: ClinVar variation 3669576 (VCV003669576.3).

ClinVar aggregate classification (germline): Uncertain significance. Review status: criteria provided, multiple submitters, no conflicts (2 of 4 stars). 2 submissions from 2 submitters: Uncertain significance (2). Last evaluated 2026-08-31.

Conditions:
Frontotemporal dementia and/or amyotrophic lateral sclerosis 4. Also called: FTDALS4. Identifiers: Orphanet 275872, MedGen C4225325, MONDO:0014641, OMIM 616439.
Inborn genetic diseases. Identifiers: MedGen C0950123, MeSH D030342.

Submissions (2):

Ambry Genetics
Classification: Uncertain significance for Inborn genetic diseases. Last evaluated: 2026-08-31. Review status: criteria provided, single submitter. Criteria: Ambry Variant Classification Scheme 2023. Collection method: clinical testing. Allele origin: germline.

Labcorp Genetics (formerly Invitae), Labcorp
Classification: Uncertain significance for Frontotemporal dementia and/or amyotrophic lateral sclerosis 4. Last evaluated: 2024-08-28. Review status: criteria provided, single submitter. Criteria: Invitae Variant Classification Sherloc (09022015). Collection method: clinical testing. Allele origin: germline.
Comment: This sequence change replaces histidine, which is basic and polar, with glutamine, which is neutral and polar, at codon 593 of the TBK1 protein (p.His593Gln). This variant is not present in population databases (gnomAD no frequency). This variant has not been reported in the literature in individuals affected with TBK1-related conditions. Invitae Evidence Modeling of protein sequence and biophysical properties (such as structural, functional, and spatial information, amino acid conservation, physicochemical variation, residue mobility, and thermodynamic stability) indicates that this missense variant is not expected to disrupt TBK1 protein function with a negative predictive value of 95%. In summary, the available evidence is currently insufficient to determine the role of this variant in disease. Therefore, it has been classified as a Variant of Uncertain Significance.